The following is an entry in ClinVar:

NM_002519.3(NPAT):c.266T>C (p.Leu89Ser)

Gene: NPAT (nuclear protein, coactivator of histone transcription; minus strand). Cytogenetic location: 11q22.3.
Variant type: single nucleotide variant.
Coding change: c.266T>C on transcript NM_002519.3 (MANE Select); coding-DNA position 266, T replaced by C.
Protein change: p.Leu89Ser; replaces leucine 89 with serine.
Molecular consequence: missense variant.
Genome position (GRCh38, 1-based): chr11:108,192,142, A>G on the plus strand (T>C on the coding strand, the complement: NPAT is on the minus strand). VCF-style: chr11-108192142-A-G. GRCh37 (hg19) VCF-style: chr11-108062869-A-G.
Other names: c.266T>C, p.Leu89Ser (NM_001321307.1); short protein forms L89S.
Identifiers: ClinVar variation 3407256 (VCV003407256.1).

ClinVar aggregate classification (germline): Uncertain significance (1 of 4 stars; one submission).

gnomAD v4.1: 1 of 1,605,556 alleles (0.000062%); no homozygotes.

Submission:

Ambry Genetics
Classification: Uncertain significance. Last evaluated: 2024-10-28. Review status: criteria provided, single submitter. Criteria: Ambry Variant Classification Scheme 2023. Collection method: clinical testing. Allele origin: germline.
Comment: The p.L89S variant (also known as c.266T>C), located in coding exon 4 of the NPAT gene, results from a T to C substitution at nucleotide position 266. The leucine at codon 89 is replaced by serine, an amino acid with dissimilar properties. This amino acid position is conserved. In addition, the in silico prediction for this alteration is inconclusive. Based on the available evidence, the clinical significance of this variant remains unclear.